The following is an entry in ClinVar:

NM_020366.4(RPGRIP1):c.1949C>T (p.Pro650Leu)

Gene: RPGRIP1 (RPGR interacting protein 1; plus strand). Cytogenetic location: 14q11.2.
Variant type: single nucleotide variant.
Coding change: c.1949C>T on transcript NM_020366.4 (MANE Select); coding-DNA position 1949, C replaced by T.
Protein change: p.Pro650Leu; replaces proline 650 with leucine.
Molecular consequence: missense variant. On other transcripts: intron variant (4).
Genome position (GRCh38, 1-based): chr14:21,324,804, C>T. VCF-style: chr14-21324804-C-T. GRCh37 (hg19) VCF-style: chr14-21792963-C-T.
Other names: c.875C>T, p.Pro292Leu (NM_001377948.1); c.796+79C>T (NM_001377949.1); c.688+2800C>T (NM_001377523.1, NM_001377950.1); c.190+2800C>T (NM_001377951.1); short protein forms P292L, P650L.
Identifiers: ClinVar variation 1420000 (VCV001420000.7), dbSNP rs769167245, ClinGen allele CA7089129.

ClinVar aggregate classification (germline): Uncertain significance (1 of 4 stars; one submission).

Conditions:
Cone-rod dystrophy 13 (CORD13). Identifiers: Orphanet 1872, MedGen C2750720, MONDO:0011987, OMIM 608194.
Leber congenital amaurosis 6 (LCA6). Identifiers: Orphanet 65, MedGen C1854260, MONDO:0013446, OMIM 613826.

Allele frequency attached by ClinVar (database versions not stated): gnomAD exomes below 0.00001 and 0.00001; ExAC 0.00001; gnomAD 0.00001; TOPMed 0.00001.
gnomAD v4.1: 7 of 1,613,954 alleles (0.00043%); highest among the groups gnomAD compares: South Asian, 0.0011%; no homozygotes.

Submission:

Labcorp Genetics (formerly Invitae), Labcorp
Classification: Uncertain significance for Leber congenital amaurosis 6; Cone-rod dystrophy 13. Last evaluated: 2024-02-24. Review status: criteria provided, single submitter. Criteria: Invitae Variant Classification Sherloc (09022015). Collection method: clinical testing. Allele origin: germline.
Comment: This sequence change replaces proline, which is neutral and non-polar, with leucine, which is neutral and non-polar, at codon 650 of the RPGRIP1 protein (p.Pro650Leu). This variant is present in population databases (rs769167245, gnomAD 0.003%). This variant has not been reported in the literature in individuals affected with RPGRIP1-related conditions. ClinVar contains an entry for this variant (Variation ID: 1420000). Advanced modeling of protein sequence and biophysical properties (such as structural, functional, and spatial information, amino acid conservation, physicochemical variation, residue mobility, and thermodynamic stability) performed at Invitae indicates that this missense variant is not expected to disrupt RPGRIP1 protein function with a negative predictive value of 80%. In summary, the available evidence is currently insufficient to determine the role of this variant in disease. Therefore, it has been classified as a Variant of Uncertain Significance.